The following is an entry in ClinVar:

NM_000548.5(TSC2):c.4470_4471delinsTT (p.Glu1490_Lys1491delinsAspTer)

Gene: TSC2 (TSC complex subunit 2; plus strand). Cytogenetic location: 16p13.3.
Variant type: Indel.
Coding change: c.4470_4471delinsTT on transcript NM_000548.5 (MANE Select); coding-DNA positions 4470 to 4471, GA replaced by TT.
Protein change: p.Glu1490_Lys1491delinsAspTer.
Molecular consequence: nonsense.
Genome position (GRCh38, 1-based): chr16:2,084,692-2,084,693, GA replaced by TT. VCF-style: chr16-2084692-GA-TT. GRCh37 (hg19) VCF-style: chr16-2134693-GA-TT.
Other names: c.4269_4270delinsTT, p.Glu1423_Lys1424delinsAspTer (NM_001077183.3); c.4401_4402delinsTT, p.Glu1467_Lys1468delinsAspTer (NM_001114382.3); c.4161_4162delinsTT, p.Glu1387_Lys1388delinsAspTer (NM_001318827.2); c.4125_4126delinsTT, p.Glu1375_Lys1376delinsAspTer (NM_001318829.2); c.3738_3739delinsTT, p.Glu1246_Lys1247delinsAspTer (NM_001318831.2); c.4302_4303delinsTT, p.Glu1434_Lys1435delinsAspTer (NM_001318832.2); c.4272_4273delinsTT, p.Glu1424_Lys1425delinsAspTer (NM_001363528.2); c.4338_4339delinsTT, p.Glu1446_Lys1447delinsAspTer (NM_001370404.1); and 1 more.
Identifiers: ClinVar variation 847337 (VCV000847337.7), dbSNP rs2090542594, ClinGen allele CA916081773.

ClinVar aggregate classification (germline): Pathogenic (1 of 4 stars; one submission).

Conditions:
Tuberous sclerosis 2 (TSC2). Identifiers: Orphanet 805, MedGen C1860707, MONDO:0013199, OMIM 613254.

Submission:

Labcorp Genetics (formerly Invitae), Labcorp
Classification: Pathogenic for Tuberous sclerosis 2. Last evaluated: 2019-01-25. Review status: criteria provided, single submitter. Criteria: Invitae Variant Classification Sherloc (09022015). Collection method: clinical testing. Allele origin: germline.
Comment: Loss-of-function variants in TSC2 are known to be pathogenic (PMID: 10205261, 17304050). This variant has not been reported in the literature in individuals with TSC2-related conditions. This variant is not present in population databases (ExAC no frequency). This sequence change creates a premature translational stop signal (p.Glu1490_Lys1491delinsAsp*) in the TSC2 gene. It is expected to result in an absent or disrupted protein product. For these reasons, this variant has been classified as Pathogenic.

Literature cited by the submitters: PubMed 10205261; PubMed 17304050.